The following is an entry in ClinVar:

NM_001375524.1(TRRAP):c.6950C>T (p.Ala2317Val)

Gene: TRRAP (transformation/transcription domain associated protein; plus strand). Cytogenetic location: 7q22.1.
Variant type: single nucleotide variant.
Coding change: c.6950C>T on transcript NM_001375524.1 (MANE Select); coding-DNA position 6950, C replaced by T.
Protein change: p.Ala2317Val; replaces alanine 2317 with valine.
Molecular consequence: missense variant.
Genome position (GRCh38, 1-based): chr7:98,964,749, C>T. VCF-style: chr7-98964749-C-T. GRCh37 (hg19) VCF-style: chr7-98562372-C-T.
Other names: c.6929C>T, p.Ala2310Val (NM_001244580.2); c.6875C>T, p.Ala2292Val (NM_003496.4); c.6929C>T (NM_001244580.1); short protein forms A2317V, A2292V, A2310V.
Identifiers: ClinVar variation 3713723 (VCV003713723.3).

ClinVar aggregate classification (germline): Conflicting classifications of pathogenicity. Review status: criteria provided, conflicting classifications (1 of 4 stars). 2 submissions from 2 submitters: Uncertain significance (1); Likely benign (1). Last evaluated 2025-03-26.

Conditions:
Inborn genetic diseases. Identifiers: MedGen C0950123, MeSH D030342.

gnomAD v4.1: 65 of 1,613,014 alleles (0.004%); highest among the groups gnomAD compares: African/African-American, 0.019%; no homozygotes.

Submissions (2):

Ambry Genetics
Classification: Likely benign for Inborn genetic diseases. Last evaluated: 2025-03-26. Review status: criteria provided, single submitter. Criteria: Ambry Variant Classification Scheme 2023. Collection method: clinical testing. Allele origin: germline.

Labcorp Genetics (formerly Invitae), Labcorp
Classification: Uncertain significance. Last evaluated: 2024-09-21. Review status: criteria provided, single submitter. Criteria: Invitae Variant Classification Sherloc (09022015). Collection method: clinical testing. Allele origin: germline.
Comment: This sequence change replaces alanine, which is neutral and non-polar, with valine, which is neutral and non-polar, at codon 2292 of the TRRAP protein (p.Ala2292Val). This variant is present in population databases (rs543871973, gnomAD 0.03%). This variant has not been reported in the literature in individuals affected with TRRAP-related conditions. Invitae Evidence Modeling of protein sequence and biophysical properties (such as structural, functional, and spatial information, amino acid conservation, physicochemical variation, residue mobility, and thermodynamic stability) indicates that this missense variant is not expected to disrupt TRRAP protein function with a negative predictive value of 80%. In summary, the available evidence is currently insufficient to determine the role of this variant in disease. Therefore, it has been classified as a Variant of Uncertain Significance.